The following is an entry in ClinVar:

ClinVar aggregate classification (germline): Likely benign. Review status: criteria provided, single submitter (1 of 4 stars). 2 submissions from 2 submitters: Likely benign (1). 1 of the submissions does not count toward it. Last evaluated 2026-07-01.

Conditions:
FMN2-related disorder. Also called: FMN2-related condition.

Allele frequency attached by ClinVar (database versions not stated): ExAC 0.00009.

Submissions (2):

CeGaT Center for Human Genetics Tuebingen
Classification: Likely benign. Last evaluated: 2026-07-01. Review status: criteria provided, single submitter. Criteria: CeGaT Center For Human Genetics Tuebingen Variant Classification Criteria Version 2. Collection method: clinical testing. Allele origin: germline. Affected: yes. Observed: 6 variant alleles.
Comment: FMN2: BP4, BP7

PreventionGenetics, part of Exact Sciences
Classification: Likely benign for FMN2-related condition. Last evaluated: 2021-12-24. Review status: no assertion criteria provided. Collection method: clinical testing. Allele origin: germline. Not counted in ClinVar's aggregate classification.
Comment: This variant is classified as likely benign based on ACMG/AMP sequence variant interpretation guidelines (Richards et al. 2015 PMID: 25741868, with internal and published modifications).

NM_020066.5(FMN2):c.3549A>C (p.Gly1183=)

Gene: FMN2 (formin 2; plus strand). Cytogenetic location: 1q43.
Variant type: single nucleotide variant.
Coding change: c.3549A>C on transcript NM_020066.5 (MANE Select); coding-DNA position 3549, A replaced by C.
Protein change: p.Gly1183=; no amino-acid change (glycine 1183 retained).
Molecular consequence: synonymous variant. On other transcripts: intron variant (1).
Genome position (GRCh38, 1-based): chr1:240,208,361, A>C. VCF-style: chr1-240208361-A-C. GRCh37 (hg19) VCF-style: chr1-240371661-A-C.
Other names: c.3561A>C, p.Gly1187= (NM_001305424.2); c.1986+20099A>C (NM_001348094.2); c.3549A>C (NM_020066.4).
Identifiers: ClinVar variation 2640203 (VCV002640203.25), dbSNP rs751801026, ClinGen allele CA1477233.